The following is an entry in ClinVar:

NM_000498.3(CYP11B2):c.954G>C (p.Thr318=)

Genes: CYP11B2 (cytochrome P450 family 11 subfamily B member 2; minus strand), LOC106799834 (CYP11B2 recombination region; plus strand). Cytogenetic location: 8q24.3.
Variant type: single nucleotide variant.
Coding change: c.954G>C on transcript NM_000498.3 (MANE Select); coding-DNA position 954, G replaced by C.
Protein change: p.Thr318=; no amino-acid change (threonine 318 retained).
Molecular consequence: synonymous variant.
Genome position (GRCh38, 1-based): chr8:142,914,264, C>G on the plus strand (G>C on the coding strand, the complement: CYP11B2 is on the minus strand). VCF-style: chr8-142914264-C-G. GRCh37 (hg19) VCF-style: chr8-143995680-C-G.
Identifiers: ClinVar variation 2674688 (VCV002674688.1), dbSNP rs760329766, ClinGen allele CA463506164.

ClinVar aggregate classification (germline): Pathogenic (1 of 4 stars; one submission).

Conditions:
CYP11B2-related disorder.

Submission:

Clinical Biochemistry Laboratory, Health Services Laboratory
Classification: Pathogenic for CYP11B2-related disorder. Last evaluated: 2023-11-20. Review status: criteria provided, single submitter. Criteria: ACMG Guidelines, 2015. Collection method: clinical testing. Allele origin: germline. Affected: yes.
Comment: ACMG:PVS1 PM2 PM3